The following is an entry in ClinVar:

ClinVar aggregate classification (germline): Likely benign (0 of 4 stars; one submission).

Conditions:
MPDU1-related disorder. Also called: MPDU1-related condition.

gnomAD v4.1: 18 of 1,614,216 alleles (0.0011%); highest among the groups gnomAD compares: Non-Finnish European, 0.0014%; no homozygotes.

Submission:

PreventionGenetics, part of Exact Sciences
Classification: Likely benign for MPDU1-related condition. Last evaluated: 2019-05-08. Review status: no assertion criteria provided. Collection method: clinical testing. Allele origin: germline.
Comment: This variant is classified as likely benign based on ACMG/AMP sequence variant interpretation guidelines (Richards et al. 2015 PMID: 25741868, with internal and published modifications).

NM_004870.4(MPDU1):c.36G>A (p.Leu12=)

Genes: MPDU1 (mannose-P-dolichol utilization defect 1; plus strand), MPDU1-AS1 (MPDU1 antisense RNA 1; minus strand). Cytogenetic location: 17p13.1.
Variant type: single nucleotide variant.
Coding change: c.36G>A on transcript NM_004870.4 (MANE Select); coding-DNA position 36, G replaced by A.
Protein change: p.Leu12=; no amino-acid change (leucine 12 retained).
Molecular consequence: synonymous variant. On other transcripts: non-coding transcript variant (1).
Genome position (GRCh38, 1-based): chr17:7,583,898, G>A. VCF-style: chr17-7583898-G-A. GRCh37 (hg19) VCF-style: chr17-7487216-G-A.
Other names: c.36G>A, p.Leu12= (NM_001330073.1).
Identifiers: ClinVar variation 3352747 (VCV003352747.1).